The following is an entry in ClinVar:

ClinVar aggregate classification (germline): Uncertain significance (1 of 4 stars; one submission).

Conditions:
Hereditary cancer-predisposing syndrome. Also called: Neoplastic Syndromes, Hereditary; Hereditary Cancer Syndrome; Tumor predisposition; Hereditary neoplastic syndrome. Identifiers: Orphanet 140162, MedGen C0027672, MeSH D009386, MONDO:0015356.

Submission:

Ambry Genetics
Classification: Uncertain significance for Hereditary cancer-predisposing syndrome. Last evaluated: 2025-03-08. Review status: criteria provided, single submitter. Criteria: Ambry Variant Classification Scheme 2023. Collection method: clinical testing. Allele origin: germline.
Comment: The p.Y1540C variant (also known as c.4619A>G), located in coding exon 35 of the TSC2 gene, results from an A to G substitution at nucleotide position 4619. The tyrosine at codon 1540 is replaced by cysteine, an amino acid with highly dissimilar properties. This amino acid position is conserved. In addition, this alteration is predicted to be deleterious by in silico analysis. Based on the available evidence, the clinical significance of this variant remains unclear.

NM_000548.5(TSC2):c.4619A>G (p.Tyr1540Cys)

Gene: TSC2 (TSC complex subunit 2; plus strand). Cytogenetic location: 16p13.3.
Variant type: single nucleotide variant.
Coding change: c.4619A>G on transcript NM_000548.5 (MANE Select); coding-DNA position 4619, A replaced by G.
Protein change: p.Tyr1540Cys; replaces tyrosine 1540 with cysteine.
Molecular consequence: missense variant. On other transcripts: non-coding transcript variant (5).
Genome position (GRCh38, 1-based): chr16:2,085,279, A>G. VCF-style: chr16-2085279-A-G. GRCh37 (hg19) VCF-style: chr16-2135280-A-G.
Other names: c.4418A>G, p.Tyr1473Cys (NM_001077183.3); c.4550A>G, p.Tyr1517Cys (NM_001114382.3); c.4310A>G, p.Tyr1437Cys (NM_001318827.2); c.4274A>G, p.Tyr1425Cys (NM_001318829.2); c.3887A>G, p.Tyr1296Cys (NM_001318831.2); c.4451A>G, p.Tyr1484Cys (NM_001318832.2); c.4421A>G, p.Tyr1474Cys (NM_001363528.2); c.4487A>G, p.Tyr1496Cys (NM_001370404.1); and 26 more; short protein forms Y1025C, Y1049C, Y1274C, Y1425C, Y1468C, Y1470C, Y1480C, Y1069C.
Identifiers: ClinVar variation 3811284 (VCV003811284.1).